The following is an entry in ClinVar:

NM_001365536.1(SCN9A):c.2363C>T (p.Ala788Val)

Genes: SCN9A (sodium voltage-gated channel alpha subunit 9; minus strand), SCN1A-AS1 (SCN1A and SCN9A antisense RNA 1; plus strand). Cytogenetic location: 2q24.3.
Variant type: single nucleotide variant.
Coding change: c.2363C>T on transcript NM_001365536.1 (MANE Select); coding-DNA position 2363, C replaced by T.
Protein change: p.Ala788Val; replaces alanine 788 with valine.
Molecular consequence: missense variant.
Genome position (GRCh38, 1-based): chr2:166,278,294, G>A on the plus strand (C>T on the coding strand, the complement: SCN9A is on the minus strand). VCF-style: chr2-166278294-G-A. GRCh37 (hg19) VCF-style: chr2-167134804-G-A.
Other names: c.2330C>T, p.Ala777Val (NM_002977.4); short protein forms A788V, A777V.
Identifiers: ClinVar variation 1476635 (VCV001476635.8), dbSNP rs1697327510, ClinGen allele CA349078502.

ClinVar aggregate classification (germline): Uncertain significance (1 of 4 stars; one submission).

Conditions:
Generalized epilepsy with febrile seizures plus, type 7 (GEFSP7). Also called: GEFS+, TYPE 7. Identifiers: Orphanet 36387, MedGen C2751778, MONDO:0013470, OMIM 613863.
Neuropathy, hereditary sensory and autonomic, type 2A (HSAN2A). Also called: ACROOSTEOLYSIS, GIACCAI TYPE; ACROOSTEOLYSIS, NEUROGENIC; MORVAN DISEASE; HSAN IIA; NEUROPATHY, CONGENITAL SENSORY; NEUROPATHY, HEREDITARY SENSORY RADICULAR, AUTOSOMAL RECESSIVE. Identifiers: Orphanet 970, MedGen C2752089, MONDO:0024309, OMIM 201300.

Allele frequency attached by ClinVar (database versions not stated): gnomAD exomes below 0.00001; TOPMed below 0.00001.
gnomAD v4.1: 1 of 1,603,430 alleles (0.000062%); highest among the groups gnomAD compares: Non-Finnish European, 0.000085%; no homozygotes.

Submission:

Labcorp Genetics (formerly Invitae), Labcorp
Classification: Uncertain significance for Neuropathy, hereditary sensory and autonomic, type 2A; Generalized epilepsy with febrile seizures plus, type 7. Last evaluated: 2024-12-28. Review status: criteria provided, single submitter. Criteria: Invitae Variant Classification Sherloc (09022015). Collection method: clinical testing. Allele origin: germline.
Comment: This sequence change replaces alanine, which is neutral and non-polar, with valine, which is neutral and non-polar, at codon 777 of the SCN9A protein (p.Ala777Val). This variant is not present in population databases (gnomAD no frequency). This variant has not been reported in the literature in individuals affected with SCN9A-related conditions. ClinVar contains an entry for this variant (Variation ID: 1476635). Invitae Evidence Modeling of protein sequence and biophysical properties (such as structural, functional, and spatial information, amino acid conservation, physicochemical variation, residue mobility, and thermodynamic stability) indicates that this missense variant is not expected to disrupt SCN9A protein function with a negative predictive value of 95%. In summary, the available evidence is currently insufficient to determine the role of this variant in disease. Therefore, it has been classified as a Variant of Uncertain Significance.